The following is an entry in ClinVar:

NM_000245.4(MET):c.1543T>C (p.Leu515=)

Gene: MET (MET proto-oncogene, receptor tyrosine kinase; plus strand). Cytogenetic location: 7q31.2.
Variant type: single nucleotide variant.
Coding change: c.1543T>C on transcript NM_000245.4 (MANE Select); coding-DNA position 1543, T replaced by C.
Protein change: p.Leu515=; no amino-acid change (leucine 515 retained).
Molecular consequence: synonymous variant.
Genome position (GRCh38, 1-based): chr7:116,740,867, T>C. VCF-style: chr7-116740867-T-C. GRCh37 (hg19) VCF-style: chr7-116380921-T-C.
Other names: c.1543T>C, p.Leu515= (NM_001127500.3, NM_001324401.3); c.253T>C, p.Leu85= (NM_001324402.2).
Identifiers: ClinVar variation 3395121 (VCV003395121.2).

ClinVar aggregate classification (germline): Benign/Likely benign. Review status: criteria provided, multiple submitters, no conflicts (2 of 4 stars). 2 submissions from 2 submitters: Benign (1); Likely benign (1). Last evaluated 2024-11-07.

Conditions:
Papillary renal cell carcinoma type 1 (RCCP1). Also called: RENAL CELL CARCINOMA, PAPILLARY, 1, SOMATIC; Renal adenocarcinoma; Renal cell carcinoma 1; Renal cell carcinoma, somatic. Identifiers: Orphanet 47044, MedGen C1336839, OMIM 605074, HP:0011797.
Hereditary cancer-predisposing syndrome. Also called: Hereditary Cancer Syndrome; Tumor predisposition; Hereditary neoplastic syndrome; Neoplastic Syndromes, Hereditary. Identifiers: Orphanet 140162, MedGen C0027672, MeSH D009386, MONDO:0015356.

gnomAD v4.1: 2 of 1,614,138 alleles (0.00012%); highest among the groups gnomAD compares: Non-Finnish European, 0.00017%; no homozygotes.

Submissions (2):

Myriad Genetics, Inc.
Classification: Benign for Papillary renal cell carcinoma type 1. Last evaluated: 2024-11-07. Review status: criteria provided, single submitter. Criteria: Myriad Autosomal Dominant, Autosomal Recessive and X-Linked Classification Criteria (2023). Collection method: clinical testing. Allele origin: unknown.
Comment: This variant is considered benign. This variant is a silent/synonymous amino acid change and it is not expected to impact splicing.

Ambry Genetics
Classification: Likely benign for Hereditary cancer-predisposing syndrome. Last evaluated: 2024-07-30. Review status: criteria provided, single submitter. Criteria: Ambry Variant Classification Scheme 2023. Collection method: clinical testing. Allele origin: germline.